The following is an entry in ClinVar:

ClinVar aggregate classification (germline): Conflicting classifications of pathogenicity. Review status: criteria provided, conflicting classifications (1 of 4 stars). 3 submissions from 3 submitters: Uncertain significance (2); Likely benign (1). Last evaluated 2025-07-18.

Conditions:
Drash syndrome (DDS). Also called: NEPHROPATHY, WILMS TUMOR, AND GENITAL ANOMALIES; WILMS TUMOR AND PSEUDO- OR TRUE HERMAPHRODITISM. Identifiers: Orphanet 220, MedGen C0950121, MONDO:0008682, OMIM 194080.
Frasier syndrome. Identifiers: Orphanet 347, MedGen C0950122, MeSH D052159, MONDO:0007635, OMIM 136680.
Wilms tumor 1 (WT1). Also called: Wilms tumor, somatic. Identifiers: Orphanet 654, MedGen CN033288, MONDO:0008679, OMIM 194070.
11p partial monosomy syndrome (WAGR). Also called: CHROMOSOME 11p13 DELETION SYNDROME; WAGR Complex; WAGR syndrome; WAGR Spectrum Disorder. Identifiers: Orphanet 893, MedGen C0206115, MONDO:0008681, OMIM 194072.
Inborn genetic diseases. Identifiers: MedGen C0950123, MeSH D030342.

gnomAD v4.1: 3 of 1,521,228 alleles (0.0002%); no homozygotes.

Submissions (3):

Ambry Genetics
Classification: Likely benign for Inborn genetic diseases. Last evaluated: 2025-07-18. Review status: criteria provided, single submitter. Criteria: Ambry Variant Classification Scheme 2023. Collection method: clinical testing. Allele origin: germline.

Labcorp Genetics (formerly Invitae), Labcorp
Classification: Uncertain significance for Wilms tumor 1; Drash syndrome; 11p partial monosomy syndrome; Frasier syndrome. Last evaluated: 2025-06-18. Review status: criteria provided, single submitter. Criteria: Invitae Variant Classification Sherloc (09022015). Collection method: clinical testing. Allele origin: germline.
Comment: This sequence change replaces arginine, which is basic and polar, with glycine, which is neutral and non-polar, at codon 59 of the WT1 protein (p.Arg59Gly). The frequency data for this variant in the population databases is considered unreliable, as metrics indicate poor data quality at this position in the gnomAD database. This variant has not been reported in the literature in individuals affected with WT1-related conditions. ClinVar contains an entry for this variant (Variation ID: 3367494). An algorithm developed to predict the effect of missense changes on protein structure and function outputs the following: PolyPhen-2: "Benign". The glycine amino acid residue is found in multiple mammalian species, which suggests that this missense change does not adversely affect protein function. In summary, the available evidence is currently insufficient to determine the role of this variant in disease. Therefore, it has been classified as a Variant of Uncertain Significance.

GeneDx
Classification: Uncertain significance. Last evaluated: 2024-01-09. Review status: criteria provided, single submitter. Criteria: GeneDx Variant Classification Process June 2021. Collection method: clinical testing. Allele origin: germline. Affected: yes.
Comment: Not observed at significant frequency in large population cohorts (gnomAD); In silico analysis supports that this missense variant does not alter protein structure/function; Has not been previously published as pathogenic or benign to our knowledge

NM_024426.6(WT1):c.190C>G (p.Arg64Gly)

Genes: WT1 (WT1 transcription factor; minus strand), LOC107982234 (WT1/WT1-AS bi-directional promoter region; plus strand). Cytogenetic location: 11p13.
Variant type: single nucleotide variant.
Coding change: c.190C>G on transcript NM_024426.6 (MANE Select); coding-DNA position 190, C replaced by G.
Protein change: p.Arg64Gly; replaces arginine 64 with glycine.
Molecular consequence: missense variant. On other transcripts: 5 prime UTR variant (4), non-coding transcript variant (2).
Genome position (GRCh38, 1-based): chr11:32,435,171, G>C on the plus strand (C>G on the coding strand, the complement: WT1 is on the minus strand). VCF-style: chr11-32435171-G-C. GRCh37 (hg19) VCF-style: chr11-32456717-G-C.
Other names: c.190C>G, p.Arg64Gly (NM_000378.6, NM_001407044.1, NM_001407045.1 and 6 more transcripts); c.-30C>G (NM_001429031.1, NM_001429032.1, NM_001429033.1 and 1 more transcripts); short protein forms R59G, R64G.
Identifiers: ClinVar variation 3367494 (VCV003367494.3).